The following is an entry in ClinVar:

ClinVar aggregate classification (germline): Uncertain significance (1 of 4 stars; one submission).

Submission:

GeneDx
Classification: Uncertain significance. Last evaluated: 2024-08-05. Review status: criteria provided, single submitter. Criteria: GeneDx Variant Classification Process June 2021. Collection method: clinical testing. Allele origin: germline. Affected: yes.
Comment: Not observed at significant frequency in large population cohorts (gnomAD); In silico analysis indicates that this missense variant does not alter protein structure/function; Has not been previously published as pathogenic or benign to our knowledge

NM_024757.5(EHMT1):c.805A>G (p.Thr269Ala)

Gene: EHMT1 (euchromatic histone lysine methyltransferase 1; plus strand). Cytogenetic location: 9q34.3.
Variant type: single nucleotide variant.
Coding change: c.805A>G on transcript NM_024757.5 (MANE Select); coding-DNA position 805, A replaced by G.
Protein change: p.Thr269Ala; replaces threonine 269 with alanine.
Molecular consequence: missense variant.
Genome position (GRCh38, 1-based): chr9:137,728,511, A>G. VCF-style: chr9-137728511-A-G. GRCh37 (hg19) VCF-style: chr9-140622963-A-G.
Other names: c.805A>G, p.Thr269Ala (NM_001145527.2, NM_001354263.2, NM_001354611.2); c.712A>G, p.Thr238Ala (NM_001354259.2, NM_001354612.2); short protein forms T238A, T269A.
Identifiers: ClinVar variation 3603207 (VCV003603207.1).